The following is an entry in ClinVar:

NM_001286.5(CLCN6):c.1587C>A (p.Phe529Leu)

Gene: CLCN6 (chloride voltage-gated channel 6; plus strand). Cytogenetic location: 1p36.22.
Variant type: single nucleotide variant.
Coding change: c.1587C>A on transcript NM_001286.5 (MANE Select); coding-DNA position 1587, C replaced by A.
Protein change: p.Phe529Leu; replaces phenylalanine 529 with leucine.
Molecular consequence: missense variant. On other transcripts: non-coding transcript variant (1).
Genome position (GRCh38, 1-based): chr1:11,834,296, C>A. VCF-style: chr1-11834296-C-A. GRCh37 (hg19) VCF-style: chr1-11894353-C-A.
Other names: c.1521C>A, p.Phe507Leu (NM_001256959.2); short protein forms F507L, F529L.
Identifiers: ClinVar variation 1470834 (VCV001470834.8), dbSNP rs2100653657, ClinGen allele CA338435802.

ClinVar aggregate classification (germline): Uncertain significance (1 of 4 stars; one submission).

Submission:

Labcorp Genetics (formerly Invitae), Labcorp
Classification: Uncertain significance. Last evaluated: 2023-04-24. Review status: criteria provided, single submitter. Criteria: Invitae Variant Classification Sherloc (09022015). Collection method: clinical testing. Allele origin: germline.
Comment: In summary, the available evidence is currently insufficient to determine the role of this variant in disease. Therefore, it has been classified as a Variant of Uncertain Significance. Algorithms developed to predict the effect of missense changes on protein structure and function output the following: SIFT: "Not Available"; PolyPhen-2: "Benign"; Align-GVGD: "Not Available". The leucine amino acid residue is found in multiple mammalian species, which suggests that this missense change does not adversely affect protein function. ClinVar contains an entry for this variant (Variation ID: 1470834). This variant has not been reported in the literature in individuals affected with CLCN6-related conditions. This variant is not present in population databases (gnomAD no frequency). This sequence change replaces phenylalanine, which is neutral and non-polar, with leucine, which is neutral and non-polar, at codon 529 of the CLCN6 protein (p.Phe529Leu).